The following is an entry in ClinVar:

NM_014000.3(VCL):c.874+4A>G

Gene: VCL (vinculin; plus strand). Cytogenetic location: 10q22.2.
Variant type: single nucleotide variant.
Coding change: c.874+4A>G on transcript NM_014000.3 (MANE Select); 4 bases into the intron after coding-DNA position 874, A replaced by G.
Molecular consequence: intron variant.
Genome position (GRCh38, 1-based): chr10:74,082,548, A>G. VCF-style: chr10-74082548-A-G. GRCh37 (hg19) VCF-style: chr10-75842306-A-G.
Other names: c.874+4A>G (NM_003373.4).
Identifiers: ClinVar variation 4720558 (VCV004720558.1).

ClinVar aggregate classification (germline): Uncertain significance (1 of 4 stars; one submission).

Conditions:
Dilated cardiomyopathy 1W (CMD1W). Identifiers: Orphanet 154, MedGen C1969639, MONDO:0012667, OMIM 611407.

Submission:

Labcorp Genetics (formerly Invitae), Labcorp
Classification: Uncertain significance for Dilated cardiomyopathy 1W. Last evaluated: 2026-01-06. Review status: criteria provided, single submitter. Criteria: Invitae Variant Classification Sherloc (09022015). Collection method: clinical testing. Allele origin: germline.
Comment: This sequence change falls in intron 7 of the VCL gene. It does not directly change the encoded amino acid sequence of the VCL protein. It affects a nucleotide within the consensus splice site. This variant is not present in population databases (gnomAD no frequency). This variant has not been reported in the literature in individuals affected with VCL-related conditions. Variants that disrupt the consensus splice site are a relatively common cause of aberrant splicing (PMID: 17576681, 9536098). Algorithms developed to predict the effect of sequence changes on RNA splicing suggest that this variant may disrupt the consensus splice site. In summary, the available evidence is currently insufficient to determine the role of this variant in disease. Therefore, it has been classified as a Variant of Uncertain Significance.

Literature cited by the submitters: PubMed 17576681; PubMed 9536098.